The following is an entry in ClinVar:

NM_000124.4(ERCC6):c.4007A>G (p.Asn1336Ser)

Gene: ERCC6 (ERCC excision repair 6, chromatin remodeling factor; minus strand). Cytogenetic location: 10q11.23.
Variant type: single nucleotide variant.
Coding change: c.4007A>G on transcript NM_000124.4 (MANE Select); coding-DNA position 4007, A replaced by G.
Protein change: p.Asn1336Ser; replaces asparagine 1336 with serine.
Molecular consequence: missense variant.
Genome position (GRCh38, 1-based): chr10:49,460,428, T>C on the plus strand (A>G on the coding strand, the complement: ERCC6 is on the minus strand). VCF-style: chr10-49460428-T-C. GRCh37 (hg19) VCF-style: chr10-50668474-T-C.
Other names: p.Asn1336Ser; c.4007A>G, p.Asn1336Ser (NM_001346440.2); short protein forms N1336S.
Identifiers: ClinVar variation 2683101 (VCV002683101.1), dbSNP rs1332240327, ClinGen allele CA376708127.

ClinVar aggregate classification (germline): Uncertain significance (1 of 4 stars; one submission).

Allele frequency attached by ClinVar (database versions not stated): gnomAD exomes 0.00001.
gnomAD v4.1: 14 of 1,613,386 alleles (0.00087%); highest among the groups gnomAD compares: Non-Finnish European, 0.0011%; no homozygotes.

Submission:

Mayo Clinic Laboratories, Mayo Clinic
Classification: Uncertain significance. Last evaluated: 2022-03-16. Review status: criteria provided, single submitter. Criteria: ACMG Guidelines, 2015. Collection method: clinical testing. Allele origin: germline. Observed: 1 variant allele.
Comment: PM2